The following is an entry in ClinVar:

NM_025137.4(SPG11):c.2081G>T (p.Ser694Ile)

Gene: SPG11 (SPG11 vesicle trafficking associated, spatacsin; minus strand). Cytogenetic location: 15q21.1.
Variant type: single nucleotide variant.
Coding change: c.2081G>T on transcript NM_025137.4 (MANE Select); coding-DNA position 2081, G replaced by T.
Protein change: p.Ser694Ile; replaces serine 694 with isoleucine.
Molecular consequence: missense variant.
Genome position (GRCh38, 1-based): chr15:44,626,494, C>A on the plus strand (G>T on the coding strand, the complement: SPG11 is on the minus strand). VCF-style: chr15-44626494-C-A. GRCh37 (hg19) VCF-style: chr15-44918692-C-A.
Other names: c.2081G>T, p.Ser694Ile (NM_001160227.2, NM_001411132.1); short protein forms S694I.
Identifiers: ClinVar variation 1804582 (VCV001804582.6), dbSNP rs2505582762, ClinGen allele CA392233966.

ClinVar aggregate classification (germline): Uncertain significance. Review status: criteria provided, multiple submitters, no conflicts (2 of 4 stars). 2 submissions from 2 submitters: Uncertain significance (2). Last evaluated 2022-06-16.

Conditions:
Hereditary spastic paraplegia 11. Also called: Spastic paraplegia, mental retardation and thin corpus callosum; SPASTIC PARAPLEGIA, AUTOSOMAL RECESSIVE, COMPLICATED, WITH THIN CORPUS CALLOSUM; SPASTIC PARAPLEGIA, AUTOSOMAL RECESSIVE, WITH MENTAL IMPAIRMENT AND THIN CORPUS CALLOSUM; Spastic Paraplegia 11; Nakamura Osame syndrome; Autosomal recessive hereditary spastic paraplegia, mental impairment, and thin corpus callosum. Identifiers: Orphanet 2822, MedGen C1858479, MONDO:0011445, OMIM 604360.

Submissions (2):

GeneDx
Classification: Uncertain significance. Last evaluated: 2022-06-16. Review status: criteria provided, single submitter. Criteria: GeneDx Variant Classification Process June 2021. Collection method: clinical testing. Allele origin: germline. Affected: yes.
Comment: Not observed at significant frequency in large population cohorts (gnomAD); In silico analysis supports that this missense variant does not alter protein structure/function; Has not been previously published as pathogenic or benign to our knowledge

Labcorp Genetics (formerly Invitae), Labcorp
Classification: Uncertain significance for Hereditary spastic paraplegia 11. Last evaluated: 2022-04-16. Review status: criteria provided, single submitter. Criteria: Invitae Variant Classification Sherloc (09022015). Collection method: clinical testing. Allele origin: germline.
Comment: In summary, the available evidence is currently insufficient to determine the role of this variant in disease. Therefore, it has been classified as a Variant of Uncertain Significance. Algorithms developed to predict the effect of missense changes on protein structure and function (SIFT, PolyPhen-2, Align-GVGD) all suggest that this variant is likely to be tolerated. This variant has not been reported in the literature in individuals affected with SPG11-related conditions. This variant is not present in population databases (gnomAD no frequency). This sequence change replaces serine, which is neutral and polar, with isoleucine, which is neutral and non-polar, at codon 694 of the SPG11 protein (p.Ser694Ile).